The following is an entry in ClinVar:

ClinVar aggregate classification (germline): Pathogenic (1 of 4 stars; one submission).

Conditions:
Neuropathy, hereditary sensory and autonomic, type 2A (HSAN2A). Also called: ACROOSTEOLYSIS, GIACCAI TYPE; ACROOSTEOLYSIS, NEUROGENIC; MORVAN DISEASE; NEUROPATHY, CONGENITAL SENSORY; NEUROPATHY, HEREDITARY SENSORY RADICULAR, AUTOSOMAL RECESSIVE; NEUROPATHY, HEREDITARY SENSORY, TYPE IIA. Identifiers: Orphanet 970, MedGen C2752089, MONDO:0024309, OMIM 201300.
Generalized epilepsy with febrile seizures plus, type 7 (GEFSP7). Also called: GEFS+, TYPE 7. Identifiers: Orphanet 36387, MedGen C2751778, MONDO:0013470, OMIM 613863.

Submission:

Labcorp Genetics (formerly Invitae), Labcorp
Classification: Pathogenic for Neuropathy, hereditary sensory and autonomic, type 2A; Generalized epilepsy with febrile seizures plus, type 7. Last evaluated: 2022-12-23. Review status: criteria provided, single submitter. Criteria: Invitae Variant Classification Sherloc (09022015). Collection method: clinical testing. Allele origin: germline.
Comment: This sequence change creates a premature translational stop signal (p.Glu34Aspfs*56) in the SCN9A gene. It is expected to result in an absent or disrupted protein product. Loss-of-function variants in SCN9A are known to be pathogenic (PMID: 17470132, 19304393). This variant is not present in population databases (gnomAD no frequency). This variant has not been reported in the literature in individuals affected with SCN9A-related conditions. For these reasons, this variant has been classified as Pathogenic.

Literature cited by the submitters: PubMed 17470132; PubMed 19304393.

NM_001365536.1(SCN9A):c.102del (p.Glu34fs)

Gene: SCN9A (sodium voltage-gated channel alpha subunit 9; minus strand). Cytogenetic location: 2q24.3.
Variant type: Deletion.
Coding change: c.102del on transcript NM_001365536.1 (MANE Select); coding-DNA position 102, one base deleted (A; older notation c.102delA).
Protein change: p.Glu34fs; shifts the reading frame from glutamic acid 34.
Molecular consequence: frameshift variant.
Genome position (GRCh38, 1-based): chr2:166,311,655, T deleted on the plus strand (A on the coding strand, the reverse complement: SCN9A is on the minus strand); the first of 2 consecutive T bases (chr2:166,311,655-166,311,656); deleting either gives the same sequence. VCF-style (leftmost placement, unchanged base first): chr2-166311654-GT-G. GRCh37 (hg19) VCF-style: chr2-167168164-GT-G.
Other names: c.101delA, p.Glu34Aspfs (NM_002977.4); short protein forms E34fs.
Identifiers: ClinVar variation 2942608 (VCV002942608.3), dbSNP rs2468155045, ClinGen allele CA2740095800.
Genomic context (GRCh38, chr2:166,311,654, plus strand): 5'-CTTCCAAGTCACTGCTTGGCTTTGGGGCTTCTTCATCATCATCTTTCTTTTCTTCTTTGG[GT>G]TCCTTTGATTTTCTTTCAGCAATGCGTTGTTCAATGAGGGCAAGAGACTGTTTTGTGAAA-3'